The following is an entry in ClinVar:

NM_006231.4(POLE):c.578+1dup

Gene: POLE (DNA polymerase epsilon, catalytic subunit; minus strand). Cytogenetic location: 12q24.33.
Variant type: Duplication.
Coding change: c.578+1dup on transcript NM_006231.4 (MANE Select); the canonical splice donor site of the intron after coding-DNA position 578, one base duplicated (G; older notation c.578+1dupG).
Molecular consequence: splice donor variant.
Genome position (GRCh38, 1-based): chr12:132,679,496, C duplicated on the plus strand (G on the coding strand, the reverse complement: POLE is on the minus strand); the first of 2 consecutive C bases (chr12:132,679,496-132,679,497); duplicating either gives the same sequence. VCF-style (leftmost placement, unchanged base first): chr12-132679495-A-AC. GRCh37 (hg19) VCF-style: chr12-133256081-A-AC.
Identifiers: ClinVar variation 4141169 (VCV004141169.1).

ClinVar aggregate classification (germline): Uncertain significance (1 of 4 stars; one submission).

Conditions:
Hereditary cancer-predisposing syndrome. Also called: Hereditary neoplastic syndrome; Neoplastic Syndromes, Hereditary; Tumor predisposition; Hereditary Cancer Syndrome. Identifiers: Orphanet 140162, MedGen C0027672, MeSH D009386, MONDO:0015356.

Submission:

Ambry Genetics
Classification: Uncertain significance for Hereditary cancer-predisposing syndrome. Last evaluated: 2025-08-05. Review status: criteria provided, single submitter. Criteria: Ambry Variant Classification Scheme 2023. Collection method: clinical testing. Allele origin: germline.
Comment: The c.578+1dupG intronic variant, results from a duplication of one nucleotide at nucleotide position 578 and involves the canonical splice donor site after coding exon 6 of the POLE gene. In silico splice site analysis predicts that this alteration will weaken the native splice donor site and will result in the creation or strengthening of a novel splice donor site; however, the exact impact of this duplication on POLE splicing and function is currently unknown. The canonical splice donor site is highly conserved in available vertebrate species. Although biallelic loss of function of POLE has been associated with autosomal recessive POLE deficiency, haploinsufficiency of POLE has not been established as a mechanism of disease for POLE-related polymerase proofreading-associated polyposis (PPAP) and POLE-related CMMRD-like syndrome. Based on the supporting evidence, this variant is expected to be causative of POLE deficiency when present along with a second pathogenic variant on the other allele; however, its clinical significance for PPAP and POLE-related CMMRD-like syndrome is unclear.